The following is an entry in ClinVar:

NM_000203.5(IDUA):c.1230dup (p.Val411fs)

Gene: IDUA (alpha-L-iduronidase; plus strand). Cytogenetic location: 4p16.3.
Variant type: Duplication.
Coding change: c.1230dup on transcript NM_000203.5 (MANE Select); coding-DNA position 1230, one base duplicated (C; older notation c.1230dupC).
Protein change: p.Val411fs; shifts the reading frame from valine 411.
Molecular consequence: frameshift variant. On other transcripts: non-coding transcript variant (1).
Genome position (GRCh38, 1-based): chr4:1,002,772, C duplicated; the last of 2 consecutive C bases (chr4:1,002,771-1,002,772); duplicating either gives the same sequence. VCF-style (leftmost placement, unchanged base first): chr4-1002770-A-AC. GRCh37 (hg19) VCF-style: chr4-996558-A-AC.
Other names: c.834dup, p.Val279fs (NM_001363576.1); short protein forms V279fs, V411fs.
Identifiers: ClinVar variation 5011752 (VCV005011752.1).

ClinVar aggregate classification (germline): Pathogenic (1 of 4 stars; one submission).

Conditions:
Mucopolysaccharidosis type 1. Also called: IDUA deficiency; MPS I; Mucopolysaccharidosis Type I. Identifiers: Orphanet 579, MedGen C0023786, MONDO:0001586.

Submission:

Myriad Genetics, Inc.
Classification: Pathogenic for Mucopolysaccharidosis type 1. Last evaluated: 2023-09-27. Review status: criteria provided, single submitter. Criteria: Myriad Autosomal Dominant, Autosomal Recessive and X-Linked Classification Criteria (2023). Collection method: clinical testing. Allele origin: unknown.
Comment: NM_000203.3(IDUA):c.1230dupC(V411Rfs*98) is expected to be pathogenic in the context of mucopolysaccharidosis type I. This variant is predicted to lead to an abnormal or absent protein product due to the creation of a premature termination codon in IDUA, a gene where loss-of-function variants are known to be pathogenic. Please note: this variant was assessed in the context of healthy population screening.